The following is an entry in ClinVar:

NM_005359.6(SMAD4):c.627C>T (p.Thr209=)

Gene: SMAD4 (SMAD family member 4; plus strand). Cytogenetic location: 18q21.2.
Variant type: single nucleotide variant.
Coding change: c.627C>T on transcript NM_005359.6 (MANE Select); coding-DNA position 627, C replaced by T.
Protein change: p.Thr209=; no amino-acid change (threonine 209 retained).
Molecular consequence: synonymous variant.
Genome position (GRCh38, 1-based): chr18:51,054,953, C>T. VCF-style: chr18-51054953-C-T. GRCh37 (hg19) VCF-style: chr18-48581323-C-T.
Identifiers: ClinVar variation 460560 (VCV000460560.15), dbSNP rs905151346, ClinGen allele CA503873780.

ClinVar aggregate classification (germline): Benign/Likely benign. Review status: criteria provided, multiple submitters, no conflicts (2 of 4 stars). 3 submissions from 3 submitters: Benign (1); Likely benign (2). Last evaluated 2025-03-19.

Conditions:
Hereditary cancer-predisposing syndrome. Also called: Neoplastic Syndromes, Hereditary; Hereditary Cancer Syndrome; Hereditary neoplastic syndrome; Tumor predisposition. Identifiers: Orphanet 140162, MedGen C0027672, MeSH D009386, MONDO:0015356.
Familial thoracic aortic aneurysm and aortic dissection (TAAD). Also called: Thoracic aortic aneurysms and dissections. Identifiers: Orphanet 91387, MedGen C4707243, MONDO:0019625.
Juvenile polyposis syndrome (JPS). Identifiers: Orphanet 2929, MedGen C0345893, MONDO:0017380, OMIM 174900.
Juvenile polyposis/hereditary hemorrhagic telangiectasia syndrome (JPHT). Also called: POLYPOSIS, GENERALIZED JUVENILE, WITH PULMONARY ARTERIOVENOUS MALFORMATION; TELANGIECTASIA, HEREDITARY HEMORRHAGIC, WITH JUVENILE POLYPOSIS COLI; Juvenile Polyposis Syndrome / Hereditary Hemorrhagic Telangiectasia (JPS/HHT); JP/HHT SYNDROME; JUVENILE POLYPOSIS WITH HEREDITARY HEMORRHAGIC TELANGIECTASIA. Identifiers: Orphanet 2929, MedGen C1832942, MONDO:0008278, OMIM 175050.

Allele frequency attached by ClinVar (database versions not stated): gnomAD exomes below 0.00001.
gnomAD v4.1: 1 of 1,614,122 alleles (0.000062%); highest among the groups gnomAD compares: Non-Finnish European, 0.000085%; no homozygotes.

Submissions (3):

Myriad Genetics, Inc.
Classification: Benign for Juvenile polyposis/hereditary hemorrhagic telangiectasia syndrome. Last evaluated: 2025-03-19. Review status: criteria provided, single submitter. Criteria: Myriad Autosomal Dominant, Autosomal Recessive and X-Linked Classification Criteria (2023). Collection method: clinical testing. Allele origin: unknown.
Comment: This variant is considered benign. This variant is a silent/synonymous amino acid change and it is not expected to impact splicing.

Labcorp Genetics (formerly Invitae), Labcorp
Classification: Likely benign for Juvenile polyposis syndrome. Last evaluated: 2024-11-18. Review status: criteria provided, single submitter. Criteria: Invitae Variant Classification Sherloc (09022015). Collection method: clinical testing. Allele origin: germline.

Ambry Genetics
Classification: Likely benign for Hereditary cancer-predisposing syndrome; Familial thoracic aortic aneurysm and aortic dissection. Last evaluated: 2020-01-15. Review status: criteria provided, single submitter. Criteria: Ambry Variant Classification Scheme 2023. Collection method: clinical testing. Allele origin: germline.